The following is an entry in ClinVar:

ClinVar aggregate classification (germline): Pathogenic (1 of 4 stars; one submission).

Conditions:
Glycogen storage disease, type II (IOPD). Also called: Pompe Disease; CARDIOMEGALIA GLYCOGENICA DIFFUSA; GLYCOGENOSIS, GENERALIZED, CARDIAC FORM; GSD II; POMPE DISEASE, INFANTILE-ONSET; GLYCOGEN STORAGE DISEASE II, INFANTILE-ONSET. Identifiers: Orphanet 365, MedGen C0017921, MONDO:0009290, OMIM 232300.

Submission:

Genomenon, Inc
Classification: Pathogenic for Glycogen storage disease, type II. Last evaluated: 2026-07-01. Review status: criteria provided, single submitter. Criteria: Genomenon Sequence Variant Interpretation Standards - Updated. Collection method: curation. Allele origin: germline. Affected: yes.
Comment: GAA p.Gln244Ter (c.730C>T) is a nonsense variant that introduces a premature stop codon at amino acid position 244 and is predicted to result in a truncated or absent protein product. This variant has been observed in at least one proband with a GAA-related disorder (PMID:29749992). It is absent or not present at a significant frequency in gnomAD. In conclusion, we classify GAA p.Gln244Ter (c.730C>T) as a pathogenic variant.

Literature cited by the submitters: PubMed 29749992.

NM_000152.5(GAA):c.730C>T (p.Gln244Ter)

Gene: GAA (alpha glucosidase; plus strand). Cytogenetic location: 17q25.3.
Variant type: single nucleotide variant.
Coding change: c.730C>T on transcript NM_000152.5 (MANE Select); coding-DNA position 730, C replaced by T.
Protein change: p.Gln244Ter; replaces glutamine 244 with a stop codon.
Molecular consequence: nonsense.
Genome position (GRCh38, 1-based): chr17:80,107,594, C>T. VCF-style: chr17-80107594-C-T. GRCh37 (hg19) VCF-style: chr17-78081393-C-T.
Other names: c.730C>T, p.Gln244Ter (NM_001079803.3, NM_001079804.3, NM_001406741.1 and 1 more transcripts); short protein forms Q244*.
Identifiers: ClinVar variation 4876647 (VCV004876647.1).